The following is an entry in ClinVar:

NM_004329.3(BMPR1A):c.338C>G (p.Ser113Cys)

Gene: BMPR1A (bone morphogenetic protein receptor type 1A; plus strand). Cytogenetic location: 10q23.2.
Variant type: single nucleotide variant.
Coding change: c.338C>G on transcript NM_004329.3 (MANE Select); coding-DNA position 338, C replaced by G.
Protein change: p.Ser113Cys; replaces serine 113 with cysteine.
Molecular consequence: missense variant. On other transcripts: non-coding transcript variant (3), intron variant (1).
Genome position (GRCh38, 1-based): chr10:86,899,798, C>G. VCF-style: chr10-86899798-C-G. GRCh37 (hg19) VCF-style: chr10-88659555-C-G.
Other names: c.338C>G, p.Ser113Cys (NM_001406559.1, NM_001406560.1, NM_001406561.1 and 22 more transcripts); c.254C>G, p.Ser85Cys (NM_001406584.1, NM_001406585.1, NM_001406586.1 and 2 more transcripts); c.333+7569C>G (NM_001406589.1); short protein forms S113C, S85C.
Identifiers: ClinVar variation 5032956 (VCV005032956.1).

ClinVar aggregate classification (germline): Uncertain significance (1 of 4 stars; one submission).

Conditions:
Hereditary cancer-predisposing syndrome. Also called: Neoplastic Syndromes, Hereditary; Tumor predisposition; Hereditary neoplastic syndrome; Hereditary Cancer Syndrome. Identifiers: Orphanet 140162, MedGen C0027672, MeSH D009386, MONDO:0015356.

Submission:

Ambry Genetics
Classification: Uncertain significance for Hereditary cancer-predisposing syndrome. Last evaluated: 2026-07-06. Review status: criteria provided, single submitter. Criteria: Ambry Variant Classification Scheme 2023. Collection method: clinical testing. Allele origin: germline.
Comment: The p.S113C variant (also known as c.338C>G), located in coding exon 4 of the BMPR1A gene, results from a C to G substitution at nucleotide position 338. The serine at codon 113 is replaced by cysteine, an amino acid with dissimilar properties. This amino acid position is conserved. In addition, the in silico prediction for this alteration is inconclusive. Based on the available evidence, the clinical significance of this variant remains unclear.